The following is an entry in ClinVar:

ClinVar aggregate classification (germline): Uncertain significance (1 of 4 stars; one submission).

Conditions:
Developmental and epileptic encephalopathy, 11 (DEE11). Also called: Early infantile epileptic encephalopathy 11. Identifiers: Orphanet 1934, MedGen C3150987, MONDO:0013388, OMIM 613721.
Seizures, benign familial infantile, 3 (BFIS3). Also called: CONVULSIONS, BENIGN FAMILIAL INFANTILE, 3; Familial neonatal seizures. Identifiers: Orphanet 140927, Orphanet 306, MedGen C1843140, MONDO:0011904, OMIM 607745.

Submission:

Labcorp Genetics (formerly Invitae), Labcorp
Classification: Uncertain significance for Seizures, benign familial infantile, 3; Developmental and epileptic encephalopathy, 11. Last evaluated: 2024-11-05. Review status: criteria provided, single submitter. Criteria: Invitae Variant Classification Sherloc (09022015). Collection method: clinical testing. Allele origin: germline.
Comment: This sequence change replaces aspartic acid, which is acidic and polar, with alanine, which is neutral and non-polar, at codon 195 of the SCN2A protein (p.Asp195Ala). This variant is not present in population databases (gnomAD no frequency). This variant has not been reported in the literature in individuals affected with SCN2A-related conditions. Invitae Evidence Modeling of protein sequence and biophysical properties (such as structural, functional, and spatial information, amino acid conservation, physicochemical variation, residue mobility, and thermodynamic stability) indicates that this missense variant is expected to disrupt SCN2A protein function with a positive predictive value of 95%. In summary, the available evidence is currently insufficient to determine the role of this variant in disease. Therefore, it has been classified as a Variant of Uncertain Significance.

NM_001040142.2(SCN2A):c.584A>C (p.Asp195Ala)

Gene: SCN2A (sodium voltage-gated channel alpha subunit 2; plus strand). Cytogenetic location: 2q24.3.
Variant type: single nucleotide variant.
Coding change: c.584A>C on transcript NM_001040142.2 (MANE Select); coding-DNA position 584, A replaced by C.
Protein change: p.Asp195Ala; replaces aspartic acid 195 with alanine.
Molecular consequence: missense variant.
Genome position (GRCh38, 1-based): chr2:165,308,773, A>C. VCF-style: chr2-165308773-A-C. GRCh37 (hg19) VCF-style: chr2-166165283-A-C.
Other names: c.584A>C, p.Asp195Ala (NM_001040143.2, NM_001371246.1, NM_001371247.1 and 1 more transcripts); short protein forms D195A.
Identifiers: ClinVar variation 3753651 (VCV003753651.2).